The following is an entry in ClinVar:

NM_001001331.4(ATP2B2):c.3722C>T (p.Thr1241Met)

Gene: ATP2B2 (ATPase plasma membrane Ca2+ transporting 2; minus strand). Cytogenetic location: 3p25.3.
Variant type: single nucleotide variant.
Coding change: c.3722C>T on transcript NM_001001331.4 (MANE Select); coding-DNA position 3722, C replaced by T.
Protein change: p.Thr1241Met; replaces threonine 1241 with methionine.
Molecular consequence: missense variant. On other transcripts: 3 prime UTR variant (2).
Genome position (GRCh38, 1-based): chr3:10,328,824, G>A on the plus strand (C>T on the coding strand, the complement: ATP2B2 is on the minus strand). VCF-style: chr3-10328824-G-A. GRCh37 (hg19) VCF-style: chr3-10370508-G-A.
Other names: c.*349C>T (NM_001330611.3); c.3587C>T, p.Thr1196Met (NM_001353564.1, NM_001683.5); c.*276C>T (NM_001363862.1); short protein forms T1196M, T1241M.
Identifiers: ClinVar variation 3373429 (VCV003373429.1).

ClinVar aggregate classification (germline): Uncertain significance (1 of 4 stars; one submission).

gnomAD v4.1: 6 of 1,608,042 alleles (0.00037%); highest among the groups gnomAD compares: Non-Finnish European, 0.00051%; no homozygotes.

Submission:

GeneDx
Classification: Uncertain significance. Last evaluated: 2024-03-04. Review status: criteria provided, single submitter. Criteria: GeneDx Variant Classification Process June 2021. Collection method: clinical testing. Allele origin: germline. Affected: yes.
Comment: Not observed at significant frequency in large population cohorts (gnomAD); In silico analysis supports that this missense variant does not alter protein structure/function; Has not been previously published as pathogenic or benign to our knowledge